The following is an entry in ClinVar:

ClinVar aggregate classification (germline): Likely benign. Review status: criteria provided, multiple submitters, no conflicts (2 of 4 stars). 2 submissions from 2 submitters: Likely benign (2). Last evaluated 2024-01-16.

Allele frequency attached by ClinVar (database versions not stated): ExAC 0.00121; 1000 Genomes Project 30x 0.00234; 1000 Genomes Project 0.00280; ESP Exome Variant Server 0.00338.
gnomAD v4.1: 1,134 of 1,614,170 alleles (0.07%); highest among the groups gnomAD compares: African/African-American, 0.88%; 7 homozygotes.

Submissions (2):

Blueprint Genetics
Classification: Likely benign. Last evaluated: 2024-01-16. Review status: criteria provided, single submitter. Criteria: ACMG Guidelines, 2015. Collection method: clinical testing. Allele origin: germline.

CeGaT Center for Human Genetics Tuebingen
Classification: Likely benign. Last evaluated: 2023-02-01. Review status: criteria provided, single submitter. Criteria: CeGaT Center For Human Genetics Tuebingen Variant Classification Criteria Version 2. Collection method: clinical testing. Allele origin: germline. Affected: yes. Observed: 2 variant alleles.
Comment: VARS1: BP4, BP7, BS2

NM_006295.3(VARS1):c.579G>A (p.Thr193=)

Genes: VARS1 (valyl-tRNA synthetase 1; minus strand), LOC126859651 (CDK7 strongly-dependent group 2 enhancer GRCh37_chr6:31759783-31760982; plus strand). Cytogenetic location: 6p21.33.
Variant type: single nucleotide variant.
Coding change: c.579G>A on transcript NM_006295.3 (MANE Select); coding-DNA position 579, G replaced by A.
Protein change: p.Thr193=; no amino-acid change (threonine 193 retained).
Molecular consequence: synonymous variant.
Genome position (GRCh38, 1-based): chr6:31,792,839, C>T on the plus strand (G>A on the coding strand, the complement: VARS1 is on the minus strand). VCF-style: chr6-31792839-C-T. GRCh37 (hg19) VCF-style: chr6-31760616-C-T.
Identifiers: ClinVar variation 2656428 (VCV002656428.25), dbSNP rs150385182, ClinGen allele CA3723530.
Genomic context (GRCh38, chr6:31,792,839, plus strand): 5'-GGCTCCTGAGTATAGAACCACTTCTCCTAGCACGGCTCGGAATTCTGGCTGCCGGACACA[C>T]GTGACAAACCAGCGAGTCACATTATTCCAGATCCGGCGGGCAGGTGGGTCTAGGACCTGG-3'
Protein context (NP_006286.1, residues 183-203): IWNNVTRWFV[Thr193=]CVRQPEFRAV